The following is an entry in ClinVar:

ClinVar aggregate classification (germline): Uncertain significance (1 of 4 stars; one submission).

Submission:

Ambry Genetics
Classification: Uncertain significance. Last evaluated: 2021-11-14. Review status: criteria provided, single submitter. Criteria: Ambry Variant Classification Scheme 2023. Collection method: clinical testing. Allele origin: germline.
Comment: The p.S1800G variant (also known as c.5398A>G), located in coding exon 16 of the POLQ gene, results from an A to G substitution at nucleotide position 5398. The serine at codon 1800 is replaced by glycine, an amino acid with similar properties. This amino acid position is conserved. In addition, this alteration is predicted to be tolerated by in silico analysis. Since supporting evidence is limited at this time, the clinical significance of this alteration remains unclear.

NM_199420.4(POLQ):c.5398A>G (p.Ser1800Gly)

Gene: POLQ (DNA polymerase theta; minus strand). Cytogenetic location: 3q13.33.
Variant type: single nucleotide variant.
Coding change: c.5398A>G on transcript NM_199420.4 (MANE Select); coding-DNA position 5398, A replaced by G.
Protein change: p.Ser1800Gly; replaces serine 1800 with glycine.
Molecular consequence: missense variant.
Genome position (GRCh38, 1-based): chr3:121,487,533, T>C on the plus strand (A>G on the coding strand, the complement: POLQ is on the minus strand). VCF-style: chr3-121487533-T-C. GRCh37 (hg19) VCF-style: chr3-121206380-T-C.
Other names: short protein forms S1800G.
Identifiers: ClinVar variation 1747255 (VCV001747255.2), dbSNP rs2546784779, ClinGen allele CA354090293.
Genomic context (GRCh38, chr3:121,487,533, plus strand): 5'-TTGAGGCTGGAGTTAACTGTAATCCATCCTGTGATAACTGAAGTGAAAAGCTTGTGTCAC[T>C]AATAGGGCTGTTGTCTTTGAACCCATTTCTACTCCCTGGACTTAAATCGTGGTTTTTAAT-3'
Protein context (NP_955452.3, residues 1790-1810): RNGFKDNSPI[Ser1800Gly]DTSFSLQLSQ